The following is an entry in ClinVar:

ClinVar aggregate classification (germline): Uncertain significance (1 of 4 stars; one submission).

Conditions:
Inborn genetic diseases. Identifiers: MedGen C0950123, MeSH D030342.

Submission:

Ambry Genetics
Classification: Uncertain significance for Inborn genetic diseases. Last evaluated: 2025-08-30. Review status: criteria provided, single submitter. Criteria: Ambry Variant Classification Scheme 2023. Collection method: clinical testing. Allele origin: germline.
Comment: The p.S1528L variant (also known as c.4583C>T), located in coding exon 18 of the FANCM gene, results from a C to T substitution at nucleotide position 4583. The serine at codon 1528 is replaced by leucine, an amino acid with dissimilar properties. This amino acid position is conserved. In addition, this alteration is predicted to be tolerated by in silico analysis. Based on the available evidence, the clinical significance of this variant remains unclear.

NM_020937.4(FANCM):c.4583C>T (p.Ser1528Leu)

Gene: FANCM (FA complementation group M; plus strand). Cytogenetic location: 14q21.2.
Variant type: single nucleotide variant.
Coding change: c.4583C>T on transcript NM_020937.4 (MANE Select); coding-DNA position 4583, C replaced by T.
Protein change: p.Ser1528Leu; replaces serine 1528 with leucine.
Molecular consequence: missense variant.
Genome position (GRCh38, 1-based): chr14:45,185,284, C>T. VCF-style: chr14-45185284-C-T. GRCh37 (hg19) VCF-style: chr14-45654487-C-T.
Other names: c.4505C>T, p.Ser1502Leu (NM_001308133.2); short protein forms S1502L, S1528L.
Identifiers: ClinVar variation 4254721 (VCV004254721.1).